The following is an entry in ClinVar:

ClinVar aggregate classification (germline): Uncertain significance (1 of 4 stars; one submission).

Submission:

CeGaT Center for Human Genetics Tuebingen
Classification: Uncertain significance. Last evaluated: 2025-11-01. Review status: criteria provided, single submitter. Criteria: CeGaT Center For Human Genetics Tuebingen Variant Classification Criteria Version 2. Collection method: clinical testing. Allele origin: germline. Affected: yes. Observed: 1 variant allele.
Comment: MTTP: PM2, PM3:Supporting

NM_001386140.1(MTTP):c.470A>G (p.Gln157Arg)

Gene: MTTP (microsomal triglyceride transfer protein; plus strand). Cytogenetic location: 4q23.
Variant type: single nucleotide variant.
Coding change: c.470A>G on transcript NM_001386140.1 (MANE Select); coding-DNA position 470, A replaced by G.
Protein change: p.Gln157Arg; replaces glutamine 157 with arginine.
Molecular consequence: missense variant.
Genome position (GRCh38, 1-based): chr4:99,589,719, A>G. VCF-style: chr4-99589719-A-G. GRCh37 (hg19) VCF-style: chr4-100510876-A-G.
Other names: c.470A>G, p.Gln157Arg (NM_000253.4); c.221A>G, p.Gln74Arg (NM_001300785.2); short protein forms Q157R, Q74R.
Identifiers: ClinVar variation 4681803 (VCV004681803.5).
Genomic context (GRCh38, chr4:99,589,719, plus strand): 5'-CATATCAAAATGAGGCAGTGGCCATAGAAAATATCAAGAGAGGTCTGGCTAGCCTATTTC[A>G]GACACAGTTAAGCTCTGGAACCACCAATGAGGTACTTACCAATATTAATAAGGATTCAGC-3'
Protein context (NP_001373069.1, residues 147-167): NIKRGLASLF[Gln157Arg]TQLSSGTTNE